The following is an entry in ClinVar:

ClinVar aggregate classification (germline): Likely pathogenic (1 of 4 stars; one submission).

Conditions:
X-linked Alport syndrome (ATS1). Also called: COL4A5-Related Nephropathy; NEPHROPATHY AND DEAFNESS, X-LINKED. Identifiers: Orphanet 63, Orphanet 88917, MedGen C4746986, MONDO:0010520, OMIM 301050.

Submission:

Variantyx, Inc.
Classification: Likely pathogenic for X-linked Alport syndrome. Last evaluated: 2025-06-14. Review status: criteria provided, single submitter. Criteria: Variantyx Assertion Criteria 2022. Collection method: clinical testing. Allele origin: maternal. Inheritance: X-linked dominant inheritance. Affected: yes.
Comment: This is a frameshift variant in the COL4A5 gene (OMIM: 303630). Pathogenic variants in this gene have been associated with X-linked Alport syndrome 1. This variant introduces a premature termination codon in exon 19 out of 51 and is expected to result in loss of function, which is a known disease mechanism for COL4A5 in this disorder (PMID: 9195222, 10752524, 14514738, 24854265, 26809805, 9848783) (PVS1). This variant is absent from control populations (PM2) and has not been reported in individuals with COL4A5-related disorders in the databases available for review. Based on the current evidence, this variant is classified as likely pathogenic for X-linked Alport syndrome 1.

Literature cited by the submitters: PubMed 9195222; PubMed 10752524; PubMed 14514738; PubMed 24854265; PubMed 26809805; PubMed 9848783.

NM_033380.3(COL4A5):c.1109_1113del (p.Lys370fs)

Gene: COL4A5 (collagen type IV alpha 5 chain; plus strand). Cytogenetic location: Xq22.3.
Variant type: Deletion.
Coding change: c.1109_1113del on transcript NM_033380.3 (MANE Select); coding-DNA positions 1109 to 1113, 5 bases deleted (AAGGA; older notation c.1109_1113delAAGGA).
Protein change: p.Lys370fs; shifts the reading frame from lysine 370.
Molecular consequence: frameshift variant.
Genome position (GRCh38, 1-based): chrX:108,586,691-108,586,695, AAGGA deleted; deleting any 5 consecutive bases within chrX:108,586,690-108,586,695 gives the same sequence; the c. name uses the placement nearest the transcript's 3' end. VCF-style (leftmost placement, unchanged base first): chrX-108586689-AAAAGG-A. GRCh37 (hg19) VCF-style: chrX-107829919-AAAAGG-A.
Other names: c.1109_1113del, p.Lys370fs (NM_000495.5); short protein forms K370fs.
Identifiers: ClinVar variation 4795931 (VCV004795931.1).